The following is an entry in ClinVar:

NM_031471.6(FERMT3):c.1080-5C>T

Gene: FERMT3 (FERM domain containing kindlin 3; plus strand). Cytogenetic location: 11q13.1.
Variant type: single nucleotide variant.
Coding change: c.1080-5C>T on transcript NM_031471.6 (MANE Select); 5 bases into the intron before coding-DNA position 1080, C replaced by T.
Molecular consequence: intron variant. On other transcripts: nonsense (3).
Genome position (GRCh38, 1-based): chr11:64,219,886, C>T. VCF-style: chr11-64219886-C-T. GRCh37 (hg19) VCF-style: chr11-63987358-C-T.
Other names: c.1087C>T, p.Arg363Ter (NM_001382362.1, NM_178443.3); c.547C>T, p.Arg183Ter (NM_001382364.1); c.1080-5C>T (NM_001382448.1, NM_001382361.1); c.540-5C>T (NM_001382363.1); short protein forms R183*, R363*.
Identifiers: ClinVar variation 1116828 (VCV001116828.12), dbSNP rs143722885, ClinGen allele CA6069035.

ClinVar aggregate classification (germline): Likely benign. Review status: criteria provided, multiple submitters, no conflicts (2 of 4 stars). 2 submissions from 2 submitters: Likely benign (2). Last evaluated 2025-08-20.

Conditions:
Leukocyte adhesion deficiency 3. Also called: Leukocyte adhesion deficiency, type III; INTEGRIN ACTIVATION DEFICIENCY DISEASE; LEUKOCYTE ADHESION DEFICIENCY 1 VARIANT. Identifiers: Orphanet 2968, Orphanet 99844, MedGen C2748536, MONDO:0013016, OMIM 612840.

Allele frequency attached by ClinVar (database versions not stated): gnomAD exomes 0.00009 and 0.00014; ExAC 0.00015; TOPMed 0.00017; gnomAD 0.00018 and 0.00020; ESP Exome Variant Server 0.00054.
gnomAD v4.1: 162 of 1,613,778 alleles (0.01%); highest among the groups gnomAD compares: Admixed American, 0.015%; no homozygotes.

Submissions (2):

Labcorp Genetics (formerly Invitae), Labcorp
Classification: Likely benign for Leukocyte adhesion deficiency 3. Last evaluated: 2025-08-20. Review status: criteria provided, single submitter. Criteria: Invitae Variant Classification Sherloc (09022015). Collection method: clinical testing. Allele origin: germline.

Women's Health and Genetics/Laboratory Corporation of America, LabCorp
Classification: Likely benign. Last evaluated: 2025-04-30. Review status: criteria provided, single submitter. Criteria: LabCorp Variant Classification Summary - May 2015. Collection method: clinical testing. Allele origin: germline.
Comment: Variant summary: FERMT3 c.1080-5C>T alters a non-conserved nucleotide located at a position not widely known to affect splicing. Consensus agreement among computation tools predict no significant impact on normal splicing. However, these predictions have yet to be confirmed by functional studies. The variant allele was found at a frequency of 0.00014 in 250942 control chromosomes. This frequency is not significantly higher than estimated for a pathogenic variant in FERMT3 causing Leukocyte Adhesion Deficiency, Type III, allowing no conclusion about variant significance. To our knowledge, no occurrence of c.1080-5C>T in individuals affected with Leukocyte Adhesion Deficiency, Type III and no experimental evidence demonstrating its impact on protein function have been reported. While the variant is predicted to result in a nonsense mutation in another transcript (p.R363*, NM_178443/ENST00000279227), this transcript is expressed at low levels in whole blood and all other tissues reported in the GTEx Transcript Browser, compared to NM_031471/ENST00000345728 which has the highest levels of expression. ClinVar contains an entry for this variant (Variation ID: 1116828). Based on the evidence outlined above, the variant was classified as likely benign.